The following is an entry in ClinVar:

ClinVar aggregate classification (germline): Conflicting classifications of pathogenicity. Review status: criteria provided, conflicting classifications (1 of 4 stars). 5 submissions from 5 submitters: Uncertain significance (1); Likely benign (3). 1 of the submissions does not count toward it. Last evaluated 2024-03-05.

Conditions:
Holoprosencephaly 9 (HPE9). Also called: HOLOPROSENCEPHALY WITH MICROPHTHALMIA AND FIRST BRANCHIAL ARCH ANOMALIES; PITUITARY ANOMALIES WITH HOLOPROSENCEPHALY-LIKE FEATURES. Identifiers: Orphanet 2162, MedGen C1835819, MONDO:0012563, OMIM 610829.
Postaxial polydactyly-anterior pituitary anomalies-facial dysmorphism syndrome. Also called: Culler-Jones syndrome. Identifiers: Orphanet 420584, MedGen C4014479, MONDO:0014369, OMIM 615849.
GLI2-related disorder. Also called: GLI2-related disorders; GLI2-related condition.

Allele frequency attached by ClinVar (database versions not stated): gnomAD exomes 0.00005 and 0.00010; ExAC 0.00006; ESP Exome Variant Server 0.00008; gnomAD 0.00013; TOPMed 0.00013.
gnomAD v4.1: 153 of 1,610,796 alleles (0.0095%); highest among the groups gnomAD compares: Non-Finnish European, 0.011%; no homozygotes.

Submissions (5):

Blueprint Genetics
Classification: Likely benign. Last evaluated: 2024-03-05. Review status: criteria provided, single submitter. Criteria: ACMG Guidelines, 2015. Collection method: clinical testing. Allele origin: germline.

Women's Health and Genetics/Laboratory Corporation of America, LabCorp
Classification: Likely benign. Last evaluated: 2024-01-23. Review status: criteria provided, single submitter. Criteria: LabCorp Variant Classification Summary - May 2015. Collection method: clinical testing. Allele origin: germline.

Labcorp Genetics (formerly Invitae), Labcorp
Classification: Likely benign for Postaxial polydactyly-anterior pituitary anomalies-facial dysmorphism syndrome; Holoprosencephaly 9. Last evaluated: 2023-06-22. Review status: criteria provided, single submitter. Criteria: Invitae Variant Classification Sherloc (09022015). Collection method: clinical testing. Allele origin: germline.

Illumina Laboratory Services, Illumina
Classification: Uncertain significance for Holoprosencephaly 9. Last evaluated: 2018-01-12. Review status: criteria provided, single submitter. Criteria: ICSL Variant Classification Criteria 13 December 2019. Collection method: clinical testing. Allele origin: germline.

PreventionGenetics, part of Exact Sciences
Classification: Likely benign for GLI2-related condition. Last evaluated: 2019-08-28. Review status: no assertion criteria provided. Collection method: clinical testing. Allele origin: germline. Not counted in ClinVar's aggregate classification.
Comment: This variant is classified as likely benign based on ACMG/AMP sequence variant interpretation guidelines (Richards et al. 2015 PMID: 25741868, with internal and published modifications).

NM_001374353.1(GLI2):c.4014A>G (p.Gln1338=)

Gene: GLI2 (GLI family zinc finger 2; plus strand). Cytogenetic location: 2q14.2.
Variant type: single nucleotide variant.
Coding change: c.4014A>G on transcript NM_001374353.1 (MANE Select); coding-DNA position 4014, A replaced by G.
Protein change: p.Gln1338=; no amino-acid change (glutamine 1338 retained).
Molecular consequence: synonymous variant.
Genome position (GRCh38, 1-based): chr2:120,989,979, A>G. VCF-style: chr2-120989979-A-G. GRCh37 (hg19) VCF-style: chr2-121747555-A-G.
Other names: c.4065A>G, p.Gln1355= (NM_001371271.1, NM_005270.5); c.3639A>G, p.Gln1213= (NM_001374354.1).
Identifiers: ClinVar variation 330991 (VCV000330991.16), dbSNP rs374113689, ClinGen allele CA1852534.
Genomic context (GRCh38, chr2:120,989,979, plus strand): 5'-GGGCTACCACCAGGTCCCCAGCCTTCTGCCTGCCCGCCAGCCTGGCTTCATGGAGCCCCA[A>G]ACAGGCCCGATGGGGGTGGCTACAGCAGGCTTTGGCCTAGTGCAGCCCCGGCCTCCCCTC-3'
Protein context (NP_001361282.1, residues 1328-1348): PARQPGFMEP[Gln1338=]TGPMGVATAG